The following is an entry in ClinVar:

NM_001042603.3(KDM5A):c.1765G>T (p.Ala589Ser)

Gene: KDM5A (lysine demethylase 5A; minus strand). Cytogenetic location: 12p13.33.
Variant type: single nucleotide variant.
Coding change: c.1765G>T on transcript NM_001042603.3 (MANE Select); coding-DNA position 1765, G replaced by T.
Protein change: p.Ala589Ser; replaces alanine 589 with serine.
Molecular consequence: missense variant.
Genome position (GRCh38, 1-based): chr12:331,827, C>A on the plus strand (G>T on the coding strand, the complement: KDM5A is on the minus strand). VCF-style: chr12-331827-C-A. GRCh37 (hg19) VCF-style: chr12-440993-C-A.
Other names: short protein forms A589S.
Identifiers: ClinVar variation 1397085 (VCV001397085.6), dbSNP rs1943869945, ClinGen allele CA383640954.

ClinVar aggregate classification (germline): Uncertain significance (1 of 4 stars; one submission).

Allele frequency attached by ClinVar (database versions not stated): gnomAD 0.00001.
gnomAD v4.1: 1 of 1,613,816 alleles (0.000062%); highest among the groups gnomAD compares: Non-Finnish European, 0.000085%; no homozygotes.

Submission:

Labcorp Genetics (formerly Invitae), Labcorp
Classification: Uncertain significance. Last evaluated: 2026-01-15. Review status: criteria provided, single submitter. Criteria: Invitae Variant Classification Sherloc (09022015). Collection method: clinical testing. Allele origin: germline.
Comment: This sequence change replaces alanine, which is neutral and non-polar, with serine, which is neutral and polar, at codon 589 of the KDM5A protein (p.Ala589Ser). This variant is not present in population databases (gnomAD no frequency). This variant has not been reported in the literature in individuals affected with KDM5A-related conditions. ClinVar contains an entry for this variant (Variation ID: 1397085). Invitae Evidence Modeling of protein sequence and biophysical properties (such as structural, functional, and spatial information, amino acid conservation, physicochemical variation, residue mobility, and thermodynamic stability) indicates that this missense variant is not expected to disrupt KDM5A protein function with a negative predictive value of 80%. In summary, the available evidence is currently insufficient to determine the role of this variant in disease. Therefore, it has been classified as a Variant of Uncertain Significance.